The following is an entry in ClinVar:

NM_006623.4(PHGDH):c.1176C>T (p.Asn392=)

Gene: PHGDH (phosphoglycerate dehydrogenase; plus strand). Cytogenetic location: 1p12.
Variant type: single nucleotide variant.
Coding change: c.1176C>T on transcript NM_006623.4 (MANE Select); coding-DNA position 1176, C replaced by T.
Protein change: p.Asn392=; no amino-acid change (asparagine 392 retained).
Molecular consequence: synonymous variant.
Genome position (GRCh38, 1-based): chr1:119,741,864, C>T. VCF-style: chr1-119741864-C-T. GRCh37 (hg19) VCF-style: chr1-120284487-C-T.
Identifiers: ClinVar variation 1105671 (VCV001105671.11), dbSNP rs764196357, ClinGen allele CA1037381.

ClinVar aggregate classification (germline): Conflicting classifications of pathogenicity. Review status: criteria provided, conflicting classifications (1 of 4 stars). 2 submissions from 2 submitters: Uncertain significance (1); Likely benign (1). Last evaluated 2026-01-16.

Conditions:
PHGDH deficiency. Identifiers: Orphanet 79351, MedGen C1866174, MONDO:0011152, OMIM 601815.

Allele frequency attached by ClinVar (database versions not stated): gnomAD 0.00004 and 0.00005; TOPMed 0.00006; ExAC 0.00007; gnomAD exomes 0.00005 and 0.00006.

Submissions (2):

Labcorp Genetics (formerly Invitae), Labcorp
Classification: Likely benign for PHGDH deficiency. Last evaluated: 2026-01-16. Review status: criteria provided, single submitter. Criteria: Invitae Variant Classification Sherloc (09022015). Collection method: clinical testing. Allele origin: germline.

GeneDx
Classification: Uncertain significance. Last evaluated: 2024-08-07. Review status: criteria provided, single submitter. Criteria: GeneDx Variant Classification Process June 2021. Collection method: clinical testing. Allele origin: germline.
Comment: Has not been previously published as pathogenic or benign to our knowledge; In silico analysis suggests this variant may impact gene splicing. In the absence of RNA/functional studies, the actual effect of this sequence change is unknown.